The following is an entry in ClinVar:

ClinVar aggregate classification (germline): Likely pathogenic. Review status: criteria provided, multiple submitters, no conflicts (2 of 4 stars). 6 submissions from 6 submitters: Likely pathogenic (5). 1 of the submissions does not count toward it. Last evaluated 2025-05-27.

Conditions:
Familial thoracic aortic aneurysm and aortic dissection (TAAD). Also called: Thoracic aortic aneurysms and dissections. Identifiers: Orphanet 91387, MedGen C4707243, MONDO:0019625.
Ehlers-Danlos syndrome, type 4 (EDSVASC). Also called: Ehlers-Danlos syndrome vascular type; Ehlers Danlos syndrome, ecchymotic type; Ehlers Danlos syndrome, arterial type; Ehlers Danlos syndrome, Sack-Barabas type; Ehlers-Danlos Syndrome Type IV. Identifiers: Orphanet 286, MedGen C0268338, MONDO:0017314, OMIM 130050.

Allele frequency attached by ClinVar (database versions not stated): gnomAD exomes below 0.00001.
gnomAD v4.1: 1 of 1,614,060 alleles (0.000062%); highest among the groups gnomAD compares: Non-Finnish European, 0.000085%; no homozygotes.

Submissions (6):

Labcorp Genetics (formerly Invitae), Labcorp
Classification: Likely pathogenic for Ehlers-Danlos syndrome, type 4. Last evaluated: 2025-05-27. Review status: criteria provided, single submitter. Criteria: Invitae Variant Classification Sherloc (09022015). Collection method: clinical testing. Allele origin: germline.
Comment: This sequence change replaces glycine, which is neutral and non-polar, with serine, which is neutral and polar, at codon 1131 of the COL3A1 protein (p.Gly1131Ser). This variant is not present in population databases (gnomAD no frequency). This missense change has been observed in individual(s) with clinical features of COL3A1 related conditions (PMID: 24922459, 36977837). ClinVar contains an entry for this variant (Variation ID: 101239). Invitae Evidence Modeling of protein sequence and biophysical properties (such as structural, functional, and spatial information, amino acid conservation, physicochemical variation, residue mobility, and thermodynamic stability) indicates that this missense variant is expected to disrupt COL3A1 protein function with a positive predictive value of 95%. This variant disrupts the triple helix domain of COL3A1. Glycine residues within the Gly-Xaa-Yaa repeats of the triple helix domain are required for the structure and stability of fibrillar collagens (PMID: 7695699, 8218237, 19344236). In COL3A1, variants that affect these glycine residues are significantly enriched in individuals with disease (PMID: 24922459, 25758994) compared to the general population (ExAC). In summary, the currently available evidence indicates that the variant is pathogenic, but additional data are needed to prove that conclusively. Therefore, this variant has been classified as Likely Pathogenic.

All of Us Research Program, National Institutes of Health
Classification: Likely pathogenic for Ehlers-Danlos syndrome, type 4. Last evaluated: 2024-09-23. Review status: criteria provided, single submitter. Criteria: ACMG Guidelines, 2015. Collection method: clinical testing. Allele origin: germline. Inheritance: Autosomal dominant inheritance. Observed: 4 variant alleles, 4 heterozygotes.
Comment: The c.3391G>A (p.Gly1131Ser) variant of the COL3A1 gene affects an conserved glycine residue. Changes to glycine residues of the COL3A1 protein are significantly enriched in individuals with COL3A1-related conditions (PMID: 24922459, 25758994). Glycine residues within the Gly-X-Y repeats of the triple helix domain are required for the structure and stability of fibrillar collagens (PMID: 7695699, 8218237, 19344236). In-silico computational prediction tools suggest that the p.Gly1131Ser variant may have deleterious effect on the protein function (REVEL score: 1). This variant is absent in the general population database (gnomAD). Another amino acid substitution at the same position (p.Gly1131Val) has been classified as likely pathogenic by one ClinVar submitter (ClinVar ID: 2024940). Therefore, the c.3391G>A (p.Gly1131Ser) variant in COL3A1 is classified as likely pathogenic.

This study involves interpretation of variants in research participants for the purpose of population health screening. Participant phenotype was not available at the time of variant classification. Additional details can be found in publication PMID: 35346344, PMCID: PMC8962531

Ambry Genetics
Classification: Likely pathogenic for Familial thoracic aortic aneurysm and aortic dissection. Last evaluated: 2024-07-22. Review status: criteria provided, single submitter. Criteria: Ambry Variant Classification Scheme 2023. Collection method: clinical testing. Allele origin: germline.
Comment: The p.G1131S variant (also known as c.3391G>A), located in coding exon 46 of the COL3A1 gene, results from a G to A substitution at nucleotide position 3391. The glycine at codon 1131 is replaced by serine, an amino acid with similar properties. The majority (approximately two-thirds) of COL3A1 mutations identified to date have involved the substitution of another amino acid for glycine within the triple-helical domain (Pepin MG et al. Genet Med. 2014;16(12):881-8; Frank M et al. Eur J Hum Genet. 2015;23(12):1657-64). This variant has been detected in a vascular Ehlers-Danlos syndrome cohorts; however, details were limited (Pepin MG et al. Genet Med, 2014 Dec;16:881-8; Bowen JM et al. Eur J Hum Genet, 2023 Jul;31:749-760; Yagyu T et al. J Am Heart Assoc, 2023 Apr;12:e028625; Demirdas S et al. Circ Genom Precis Med, 2024 Jun;17:e003978). Internal structural analysis indicates that this alteration disrupts the characteristic G-X-Y motif in the COL3A1 protein and inserts a bulky side chain into a sterically-constrained region (Bella J et al. Science. 1994;266:75-81; Hohenester E et al. Proc. Natl. Acad. Sci. U.S.A. 2008;105:18273-7; Ambry internal data). This amino acid position is highly conserved in available vertebrate species. In addition, this alteration is predicted to be deleterious by in silico analysis. This variant is considered to be rare based on population cohorts in the Genome Aggregation Database (gnomAD). Based on the majority of available evidence to date, this variant is likely to be pathogenic.

Color Diagnostics, LLC DBA Color Health
Classification: Likely pathogenic for Familial thoracic aortic aneurysm and aortic dissection. Last evaluated: 2024-07-10. Review status: criteria provided, single submitter. Criteria: ACMG Guidelines, 2015. Collection method: clinical testing. Allele origin: germline.
Comment: This missense variant replaces glycine with serine at codon 1131 of the COL3A1 protein. This variant changes one of the conserved glycine residues within the Gly-Xaa-Yaa repeat motifs of the triple helical domain of the COL3A1 protein that are required for the structure and stability of fibrillar collagens (PMID: 7695699, 8218237, 19344236). Computational prediction suggests that this variant may have deleterious impact on protein structure and function. This variant has been reported in six individuals affected with vascular Ehlers-Danlos syndrome (PMID: 24922459, 36977837), and in one individual affected with heritable thoracic aortic disease (PMID: 37042257). This variant has not been identified in the general population by the Genome Aggregation Database (gnomAD). Based on the available evidence, this variant is classified as Likely Pathogenic.

GeneDx
Classification: Likely pathogenic. Last evaluated: 2023-03-27. Review status: criteria provided, single submitter. Criteria: GeneDx Variant Classification Process June 2021. Collection method: clinical testing. Allele origin: germline. Affected: yes.
Comment: Reported in association with vascular Ehlers-Danlos syndrome (vEDS) in published literature (Pepin et al., 2014); Occurs in the triple helical domain and replaces the glycine in the canonical Gly-X-Y repeat; missense substitution of a canonical glycine residue is expected to disrupt normal protein folding and function, and this is an established mechanism of disease (HGMD); In silico analysis supports that this missense variant has a deleterious effect on protein structure/function; Not observed at significant frequency in large population cohorts (gnomAD); This variant is associated with the following publications: (PMID: 24922459)

Collagen Diagnostic Laboratory, University of Washington
Classification: Pathogenic for Ehlers-Danlos syndrome, type 4. Review status: no assertion criteria provided. Collection method: clinical testing. Allele origin: germline. Affected: yes. Not counted in ClinVar's aggregate classification.

Literature cited by the submitters: PubMed 24922459 (cited by 4 submitters); PubMed 36977837 (cited by 3 submitters); PubMed 7695699 (cited by 3 submitters); PubMed 8218237 (cited by 3 submitters); PubMed 19344236 (cited by 3 submitters); PubMed 25758994 (cited by Labcorp Genetics (formerly Invitae), Labcorp and All of Us Research Program, National Institutes of Health); PubMed 37042257 (cited by Ambry Genetics and Color Diagnostics, LLC DBA Color Health); PubMed 38623759 (cited by Ambry Genetics).

NM_000090.4(COL3A1):c.3391G>A (p.Gly1131Ser)

Gene: COL3A1 (collagen type III alpha 1 chain; plus strand). Cytogenetic location: 2q32.2.
Variant type: single nucleotide variant.
Coding change: c.3391G>A on transcript NM_000090.4 (MANE Select); coding-DNA position 3391, G replaced by A.
Protein change: p.Gly1131Ser; replaces glycine 1131 with serine.
Molecular consequence: missense variant.
Genome position (GRCh38, 1-based): chr2:189,007,912, G>A. VCF-style: chr2-189007912-G-A. GRCh37 (hg19) VCF-style: chr2-189872638-G-A.
Identifiers: ClinVar variation 101239 (VCV000101239.11), dbSNP rs587779536, ClinGen allele CA006351.
Genomic context (GRCh38, chr2:189,007,912, plus strand): 5'-CTTCACTCCTATGTACACTTCCTTTCTTTCCAGGGCCCTGCTGGTCAGCAGGGTGCAATC[G>A]GCAGTCCAGGACCTGCAGGCCCCAGAGTAAGTAGCACAGAAAGATATTACAGGTCCACAT-3'
Protein context (NP_000081.2, residues 1121-1141): PGPAGQQGAI[Gly1131Ser]SPGPAGPRGP